The following is an entry in ClinVar:

ClinVar aggregate classification (germline): Conflicting classifications of pathogenicity. Review status: criteria provided, conflicting classifications (1 of 4 stars). 4 submissions from 4 submitters: Uncertain significance (1); Likely benign (2). 1 of the submissions does not count toward it. Last evaluated 2025-11-03.

Conditions:
CREB3L1-related disorder. Also called: CREB3L1-related condition.
Inborn genetic diseases. Identifiers: MedGen C0950123, MeSH D030342.

Allele frequency attached by ClinVar (database versions not stated): ExAC 0.00003; gnomAD exomes 0.00012 and 0.00048; 1000 Genomes Project 0.00040; 1000 Genomes Project 30x 0.00047; TOPMed 0.00128; gnomAD 0.00132 and 0.00136.
gnomAD v4.1: 364 of 1,612,380 alleles (0.023%); highest among the groups gnomAD compares: Admixed American, 0.6%; 4 homozygotes.

Submissions (4):

Labcorp Genetics (formerly Invitae), Labcorp
Classification: Likely benign. Last evaluated: 2025-11-03. Review status: criteria provided, single submitter. Criteria: Invitae Variant Classification Sherloc (09022015). Collection method: clinical testing. Allele origin: germline.

Ambry Genetics
Classification: Uncertain significance for Inborn genetic diseases. Last evaluated: 2025-06-06. Review status: criteria provided, single submitter. Criteria: Ambry Variant Classification Scheme 2023. Collection method: clinical testing. Allele origin: germline.

Breakthrough Genomics
Classification: Likely benign. Review status: criteria provided, single submitter. Criteria: ACMG Guidelines, 2015. Collection method: not provided. Allele origin: germline. Inheritance: Autosomal recessive inheritance. Affected: yes.

PreventionGenetics, part of Exact Sciences
Classification: Likely benign for CREB3L1-related condition. Last evaluated: 2022-12-02. Review status: no assertion criteria provided. Collection method: clinical testing. Allele origin: germline. Not counted in ClinVar's aggregate classification.
Comment: This variant is classified as likely benign based on ACMG/AMP sequence variant interpretation guidelines (Richards et al. 2015 PMID: 25741868, with internal and published modifications).

NM_052854.4(CREB3L1):c.1541C>A (p.Thr514Asn)

Gene: CREB3L1 (cAMP responsive element binding protein 3 like 1; plus strand). Cytogenetic location: 11p11.2.
Variant type: single nucleotide variant.
Coding change: c.1541C>A on transcript NM_052854.4 (MANE Select); coding-DNA position 1541, C replaced by A.
Protein change: p.Thr514Asn; replaces threonine 514 with asparagine.
Molecular consequence: missense variant.
Genome position (GRCh38, 1-based): chr11:46,320,727, C>A. VCF-style: chr11-46320727-C-A. GRCh37 (hg19) VCF-style: chr11-46342277-C-A.
Other names: c.1541C>A (NM_052854.3, NM_052854.2); short protein forms T514N.
Identifiers: ClinVar variation 1649795 (VCV001649795.12), dbSNP rs192656420, ClinGen allele CA5961924.